The following is an entry in ClinVar:

ClinVar aggregate classification (germline): Conflicting classifications of pathogenicity. Review status: criteria provided, conflicting classifications (1 of 4 stars). 4 submissions from 3 submitters: Uncertain significance (2); Likely benign (1). 1 of the submissions does not count toward it. Last evaluated 2024-02-25.

Conditions:
Glycogen storage disease, type IV (GSD4). Also called: AMYLOPECTINOSIS; ANDERSEN DISEASE; BRANCHER DEFICIENCY; CIRRHOSIS, FAMILIAL, WITH DEPOSITION OF ABNORMAL GLYCOGEN; GBE1 DEFICIENCY; GLYCOGEN BRANCHING ENZYME DEFICIENCY. Identifiers: Orphanet 367, MedGen C0017923, MONDO:0009292, OMIM 232500.
Glycogen storage disease IV, classic hepatic. Also called: GSD IV, CLASSIC HEPATIC. Identifiers: MedGen C1856301.
Adult polyglucosan body disease (APBN). Also called: POLYGLUCOSAN BODY DISEASE, ADULT FORM; GBE1-Adult Polyglucosan Body Disease. Identifiers: Orphanet 206583, MedGen C1849722, MONDO:0009897, OMIM 263570.
GBE1-related disorder. Also called: GBE1-related disorders; GBE1-related condition. Identifiers: MedGen CN239402.

Allele frequency attached by ClinVar (database versions not stated): TOPMed 0.00001; gnomAD exomes 0.00002; gnomAD 0.00001 and 0.00002; ExAC 0.00002.
gnomAD v4.1: 12 of 1,549,328 alleles (0.00077%); highest among the groups gnomAD compares: African/African-American, 0.0041%; no homozygotes.

Submissions (4):

Labcorp Genetics (formerly Invitae), Labcorp
Classification: Likely benign for Glycogen storage disease, type IV; Glycogen storage disease IV, classic hepatic. Last evaluated: 2024-02-25. Review status: criteria provided, single submitter. Criteria: Invitae Variant Classification Sherloc (09022015). Collection method: clinical testing. Allele origin: germline.

Illumina Laboratory Services, Illumina
Classification: Uncertain significance for Glycogen storage disease, type IV. Last evaluated: 2018-01-12. Review status: criteria provided, single submitter. Criteria: ICSL Variant Classification Criteria 13 December 2019. Collection method: clinical testing. Allele origin: germline.

Illumina Laboratory Services, Illumina
Classification: Uncertain significance for Adult polyglucosan body disease. Last evaluated: 2018-01-12. Review status: criteria provided, single submitter. Criteria: ICSL Variant Classification Criteria 13 December 2019. Collection method: clinical testing. Allele origin: germline.

PreventionGenetics, part of Exact Sciences
Classification: Likely benign for GBE1-related condition. Last evaluated: 2020-12-15. Review status: no assertion criteria provided. Collection method: clinical testing. Allele origin: germline. Not counted in ClinVar's aggregate classification.
Comment: This variant is classified as likely benign based on ACMG/AMP sequence variant interpretation guidelines (Richards et al. 2015 PMID: 25741868, with internal and published modifications).

NM_000158.4(GBE1):c.556-6C>T

Gene: GBE1 (1,4-alpha-glucan branching enzyme 1; minus strand). Cytogenetic location: 3p12.2.
Variant type: single nucleotide variant.
Coding change: c.556-6C>T on transcript NM_000158.4 (MANE Select); 6 bases into the intron before coding-DNA position 556, C replaced by T.
Molecular consequence: intron variant.
Genome position (GRCh38, 1-based): chr3:81,648,997, G>A on the plus strand (C>T on the coding strand, the complement: GBE1 is on the minus strand). VCF-style: chr3-81648997-G-A. GRCh37 (hg19) VCF-style: chr3-81698148-G-A.
Identifiers: ClinVar variation 902732 (VCV000902732.13), dbSNP rs754051144, ClinGen allele CA2499919.